The following is an entry in ClinVar:

NM_000548.5(TSC2):c.4643T>C (p.Leu1548Pro)

Gene: TSC2 (TSC complex subunit 2; plus strand). Cytogenetic location: 16p13.3.
Variant type: single nucleotide variant.
Coding change: c.4643T>C on transcript NM_000548.5 (MANE Select); coding-DNA position 4643, T replaced by C.
Protein change: p.Leu1548Pro; replaces leucine 1548 with proline.
Molecular consequence: missense variant.
Genome position (GRCh38, 1-based): chr16:2,085,303, T>C. VCF-style: chr16-2085303-T-C. GRCh37 (hg19) VCF-style: chr16-2135304-T-C.
Other names: c.4442T>C, p.Leu1481Pro (NM_001077183.3); c.4574T>C, p.Leu1525Pro (NM_001114382.3); c.4334T>C, p.Leu1445Pro (NM_001318827.2); c.4298T>C, p.Leu1433Pro (NM_001318829.2); c.3911T>C, p.Leu1304Pro (NM_001318831.2); c.4475T>C, p.Leu1492Pro (NM_001318832.2); c.4445T>C, p.Leu1482Pro (NM_001363528.2); c.4511T>C, p.Leu1504Pro (NM_001370404.1); and 1 more; short protein forms L1548P, L1445P, L1481P, L1482P, L1504P, L1492P, L1304P, L1433P.
Identifiers: ClinVar variation 65095 (VCV000065095.4), dbSNP rs397515070, ClinGen allele CA020803.
Genomic context (GRCh38, chr16:2,085,303, plus strand): 5'-AGCGGTCGGTGCAGCTCCTCGACCAGATCCCATCATACGACACCCACAAGATCGCCGTCC[T>C]GTATGTTGGAGAAGGCCAGGTGAGGCTGCGGGGCCGGCCTAGGTGCCTGGACAGGGCCAG-3'
Protein context (NP_000539.2, residues 1538-1558): PSYDTHKIAV[Leu1548Pro]YVGEGQSNSE

ClinVar aggregate classification (germline): Pathogenic. Review status: criteria provided, single submitter (1 of 4 stars). 2 submissions from 2 submitters: Pathogenic (1). 1 of the submissions does not count toward it. Last evaluated 2023-10-28.

Conditions:
Tuberous sclerosis 2 (TSC2). Identifiers: Orphanet 805, MedGen C1860707, MONDO:0013199, OMIM 613254.
Tuberous sclerosis syndrome (TSC). Also called: Tuberous Sclerosis Complex; Tuberous sclerosis. Identifiers: Orphanet 805, MedGen C0041341, MONDO:0001734.

Submissions (2):

Labcorp Genetics (formerly Invitae), Labcorp
Classification: Pathogenic for Tuberous sclerosis 2. Last evaluated: 2023-10-28. Review status: criteria provided, single submitter. Criteria: Invitae Variant Classification Sherloc (09022015). Collection method: clinical testing. Allele origin: germline.
Comment: This sequence change replaces leucine, which is neutral and non-polar, with proline, which is neutral and non-polar, at codon 1548 of the TSC2 protein (p.Leu1548Pro). This variant is not present in population databases (gnomAD no frequency). This missense change has been observed in individual(s) with clinical features of TSC2-related conditions (Invitae). In at least one individual the variant was observed to be de novo. ClinVar contains an entry for this variant (Variation ID: 65095). Advanced modeling of protein sequence and biophysical properties (such as structural, functional, and spatial information, amino acid conservation, physicochemical variation, residue mobility, and thermodynamic stability) has been performed at Invitae for this missense variant, however the output from this modeling did not meet the statistical confidence thresholds required to predict the impact of this variant on TSC2 protein function. Experimental studies have shown that this missense change affects TSC2 function (PMID: 21309039). For these reasons, this variant has been classified as Pathogenic.

Tuberous sclerosis database (TSC2)
No classification provided. Condition: TSC. Review status: no classification provided. Criteria: Tuberous Sclerosis Database Assertion Criteria 2015. Collection method: curation. Allele origin: germline. Affected: yes. Not counted in ClinVar's aggregate classification.

Literature cited by the submitters: PubMed 21309039 (cited by Labcorp Genetics (formerly Invitae), Labcorp).